The following is an entry in ClinVar:

NM_025136.4(OPA3):c.*4439C>T

Genes: OPA3 (outer mitochondrial membrane lipid metabolism regulator OPA3; minus strand), OPA3-RTN2 (OPA3-RTN2 readthrough; minus strand). Cytogenetic location: 19q13.32.
Variant type: single nucleotide variant.
Coding change: c.*4439C>T on transcript NM_025136.4 (MANE Select); 4439 bases downstream of the stop codon, C replaced by T.
Molecular consequence: 3 prime UTR variant. On other transcripts: intron variant (1).
Genome position (GRCh38, 1-based): chr19:45,549,075, G>A on the plus strand (C>T on the coding strand, the complement: OPA3 is on the minus strand). VCF-style: chr19-45549075-G-A. GRCh37 (hg19) VCF-style: chr19-46052333-G-A.
Other names: c.143-19619C>T (NM_001017989.3).
Identifiers: ClinVar variation 329607 (VCV000329607.5), dbSNP rs538388889, ClinGen allele CA10652566.

ClinVar aggregate classification (germline): Conflicting classifications of pathogenicity. Review status: criteria provided, conflicting classifications (1 of 4 stars). 2 submissions from 1 submitter: Uncertain significance (1); Benign (1). Last evaluated 2018-01-13.

Conditions:
Optic atrophy 3 (OPA3). Also called: OPTIC ATROPHY 3, AUTOSOMAL DOMINANT; Optic atrophy, cataract, and neurologic disorder; Optic atrophy 3 with cataract. Identifiers: Orphanet 67036, MedGen C1833809, MONDO:0008133, OMIM 165300.
3-Methylglutaconic aciduria type 3 (MGCA3). Also called: OPA3, AUTOSOMAL RECESSIVE; OPTIC ATROPHY 3, AUTOSOMAL RECESSIVE; Costeff Syndrome; OPA3-Related 3-Methylglutaconic Aciduria. Identifiers: Orphanet 67047, MedGen C0574084, MONDO:0009787, OMIM 258501.

Allele frequency attached by ClinVar (database versions not stated): TOPMed 0.00001; gnomAD 0.00002 and 0.00005; 1000 Genomes Project 30x 0.00062; 1000 Genomes Project 0.00080.
gnomAD v4.1: 12 of 976,268 alleles (0.0012%); highest among the groups gnomAD compares: East Asian, 0.13%; no homozygotes.

Submissions (2):

Illumina Laboratory Services, Illumina
Classification: Benign for Optic atrophy 3. Last evaluated: 2018-01-13. Review status: criteria provided, single submitter. Criteria: ICSL Variant Classification Criteria 13 December 2019. Collection method: clinical testing. Allele origin: germline.
Comment: This variant was observed in the ICSL laboratory as part of a predisposition screen in an ostensibly healthy population. It had not been previously curated by ICSL or reported in the Human Gene Mutation Database (HGMD: prior to June 1st, 2018), and was therefore a candidate for classification through an automated scoring system. Utilizing variant allele frequency, disease prevalence and penetrance estimates, and inheritance mode, an automated score was calculated to assess if this variant is too frequent to cause the disease. Based on the score and internal cut-off values, a variant classified as benign is not then subjected to further curation. The score for this variant resulted in a classification of benign for this disease.

Illumina Laboratory Services, Illumina
Classification: Uncertain significance for 3-Methylglutaconic aciduria type 3. Last evaluated: 2018-01-13. Review status: criteria provided, single submitter. Criteria: ICSL Variant Classification Criteria 13 December 2019. Collection method: clinical testing. Allele origin: germline.